The following is an entry in ClinVar:

ClinVar aggregate classification (germline): Uncertain significance (1 of 4 stars; one submission).

Submission:

Labcorp Genetics (formerly Invitae), Labcorp
Classification: Uncertain significance. Last evaluated: 2021-07-02. Review status: criteria provided, single submitter. Criteria: Invitae Variant Classification Sherloc (09022015). Collection method: clinical testing. Allele origin: germline.
Comment: In summary, the available evidence is currently insufficient to determine the role of this variant in disease. Therefore, it has been classified as a Variant of Uncertain Significance. Advanced modeling of protein sequence and biophysical properties (such as structural, functional, and spatial information, amino acid conservation, physicochemical variation, residue mobility, and thermodynamic stability) performed at Invitae indicates that this missense variant is expected to disrupt TPP1 protein function. This variant has not been reported in the literature in individuals with TPP1-related conditions. This variant is not present in population databases (ExAC no frequency). This sequence change replaces tyrosine with asparagine at codon 449 of the TPP1 protein (p.Tyr449Asn). The tyrosine residue is highly conserved and there is a large physicochemical difference between tyrosine and asparagine.

NM_000391.4(TPP1):c.1345T>A (p.Tyr449Asn)

Gene: TPP1 (tripeptidyl peptidase 1; minus strand). Cytogenetic location: 11p15.4.
Variant type: single nucleotide variant.
Coding change: c.1345T>A on transcript NM_000391.4 (MANE Select); coding-DNA position 1345, T replaced by A.
Protein change: p.Tyr449Asn; replaces tyrosine 449 with asparagine.
Molecular consequence: missense variant.
Genome position (GRCh38, 1-based): chr11:6,615,251, A>T on the plus strand (T>A on the coding strand, the complement: TPP1 is on the minus strand). VCF-style: chr11-6615251-A-T. GRCh37 (hg19) VCF-style: chr11-6636482-A-T.
Other names: short protein forms Y449N.
Identifiers: ClinVar variation 1389145 (VCV001389145.8), dbSNP rs1161254142, ClinGen allele CA379472678.